The following is an entry in ClinVar:

NM_000321.3(RB1):c.1128-11A>G

Gene: RB1 (RB transcriptional corepressor 1; plus strand). Cytogenetic location: 13q14.2.
Variant type: single nucleotide variant.
Coding change: c.1128-11A>G on transcript NM_000321.3 (MANE Select); 11 bases into the intron before coding-DNA position 1128, A replaced by G.
Molecular consequence: intron variant.
Genome position (GRCh38, 1-based): chr13:48,373,394, A>G. VCF-style: chr13-48373394-A-G. GRCh37 (hg19) VCF-style: chr13-48947530-A-G.
Identifiers: ClinVar variation 2071934 (VCV002071934.5), dbSNP rs769899597, ClinGen allele CA027602.

ClinVar aggregate classification (germline): Likely benign. Review status: criteria provided, multiple submitters, no conflicts (2 of 4 stars). 2 submissions from 2 submitters: Likely benign (2). Last evaluated 2026-06-18.

Conditions:
Retinoblastoma (RB1). Also called: RETINOBLASTOMA, SOMATIC. Identifiers: Orphanet 790, MedGen C0035335, MeSH D012175, MONDO:0008380, OMIM 180200, HP:0009919. Disease mechanism: loss of function. Inheritance: Both sporadic and heritable forms are tested..

Allele frequency attached by ClinVar (database versions not stated): gnomAD exomes below 0.00001; gnomAD 0.00001; TOPMed 0.00001; ExAC 0.00002.
gnomAD v4.1: 3 of 1,516,272 alleles (0.0002%); highest among the groups gnomAD compares: African/African-American, 0.0014%; no homozygotes.

Submissions (2):

Myriad Genetics, Inc.
Classification: Likely benign for Retinoblastoma. Last evaluated: 2026-06-18. Review status: criteria provided, single submitter. Criteria: Myriad Autosomal Dominant, Autosomal Recessive and X-Linked Classification Criteria (2023). Collection method: clinical testing. Allele origin: unknown.
Comment: This variant is considered likely benign. This variant is intronic and is not expected to impact mRNA splicing.

Labcorp Genetics (formerly Invitae), Labcorp
Classification: Likely benign for Retinoblastoma. Last evaluated: 2025-10-26. Review status: criteria provided, single submitter. Criteria: Invitae Variant Classification Sherloc (09022015). Collection method: clinical testing. Allele origin: germline.